The following is an entry in ClinVar:

ClinVar aggregate classification (germline): Uncertain significance (1 of 4 stars; one submission).

Submission:

Ambry Genetics
Classification: Uncertain significance. Last evaluated: 2024-05-16. Review status: criteria provided, single submitter. Criteria: Ambry Variant Classification Scheme 2023. Collection method: clinical testing. Allele origin: germline.
Comment: The p.V470A variant (also known as c.1409T>C), located in coding exon 8 of the GALNT12 gene, results from a T to C substitution at nucleotide position 1409. The valine at codon 470 is replaced by alanine, an amino acid with similar properties. This amino acid position is conserved. In addition, this alteration is predicted to be tolerated by in silico analysis. Based on the available evidence, the clinical significance of this variant remains unclear.

NM_024642.5(GALNT12):c.1409T>C (p.Val470Ala)

Gene: GALNT12 (polypeptide N-acetylgalactosaminyltransferase 12; plus strand). Cytogenetic location: 9q22.33.
Variant type: single nucleotide variant.
Coding change: c.1409T>C on transcript NM_024642.5 (MANE Select); coding-DNA position 1409, T replaced by C.
Protein change: p.Val470Ala; replaces valine 470 with alanine.
Molecular consequence: missense variant.
Genome position (GRCh38, 1-based): chr9:98,844,160, T>C. VCF-style: chr9-98844160-T-C. GRCh37 (hg19) VCF-style: chr9-101606442-T-C.
Other names: short protein forms V470A.
Identifiers: ClinVar variation 3280583 (VCV003280583.1).